The following is an entry in ClinVar:

ClinVar aggregate classification (germline): Uncertain significance (1 of 4 stars; one submission).

Submission:

Labcorp Genetics (formerly Invitae), Labcorp
Classification: Uncertain significance. Last evaluated: 2021-10-29. Review status: criteria provided, single submitter. Criteria: Invitae Variant Classification Sherloc (09022015). Collection method: clinical testing. Allele origin: germline.
Comment: A copy number gain of the genomic region encompassing the full coding sequence of the EXOSC2 gene has been identified. The boundaries of this event are unknown as they extend beyond the assayed region for this gene and therefore may encompass additional genes. As the precise location of this event is unknown, it may be in tandem or it may be located elsewhere in the genome. This variant has not been reported in the literature in individuals affected with EXOSC2-related conditions. In summary, the available evidence is currently insufficient to determine the role of this variant in disease. Therefore, it has been classified as a Variant of Uncertain Significance.

NC_000009.11:g.(?_131857676)_(135942612_?)dup

Genes: ABL1 (ABL proto-oncogene 1, non-receptor tyrosine kinase; plus strand), AIF1L (allograft inflammatory factor 1 like; plus strand), AK8 (adenylate kinase 8; minus strand), ASB6 (ankyrin repeat and SOCS box containing 6; minus strand), ASS1 (argininosuccinate synthase 1; plus strand) and 42 more. Cytogenetic location: 9q34.11-34.2.
Variant type: Duplication.
Identifiers: ClinVar variation 2425935 (VCV002425935.4).